The following is an entry in ClinVar:

NM_201384.3(PLEC):c.4999G>A (p.Glu1667Lys)

Gene: PLEC (plectin; minus strand). Cytogenetic location: 8q24.3.
Variant type: single nucleotide variant.
Coding change: c.4999G>A on transcript NM_201384.3 (MANE Select); coding-DNA position 4999, G replaced by A.
Protein change: p.Glu1667Lys; replaces glutamic acid 1667 with lysine.
Molecular consequence: missense variant.
Genome position (GRCh38, 1-based): chr8:143,924,930, C>T on the plus strand (G>A on the coding strand, the complement: PLEC is on the minus strand). VCF-style: chr8-143924930-C-T. GRCh37 (hg19) VCF-style: chr8-144999098-C-T.
Other names: c.4957G>A, p.Glu1653Lys (NM_201378.4); c.4933G>A, p.Glu1645Lys (NM_201379.3); c.5410G>A, p.Glu1804Lys (NM_201380.4); c.4903G>A, p.Glu1635Lys (NM_201381.3); c.4999G>A, p.Glu1667Lys (NM_201382.4); c.5011G>A, p.Glu1671Lys (NM_201383.3); c.5080G>A, p.Glu1694Lys (NM_000445.5); c.5080G>A (NM_000445.3); short protein forms E1635K, E1645K, E1653K, E1667K, E1671K, E1694K, E1804K.
Identifiers: ClinVar variation 1056281 (VCV001056281.6), dbSNP rs782503404, ClinGen allele CA4926471.

ClinVar aggregate classification (germline): Uncertain significance. Review status: criteria provided, multiple submitters, no conflicts (2 of 4 stars). 2 submissions from 2 submitters: Uncertain significance (2). Last evaluated 2024-07-14.

Conditions:
Epidermolysis bullosa simplex 5B, with muscular dystrophy (EBS5B). Also called: Epidermolysis bullosa simplex with muscular dystrophy; EPIDERMOLYSIS BULLOSA SIMPLEX AND LIMB-GIRDLE MUSCULAR DYSTROPHY. Identifiers: Orphanet 257, MedGen C2931072, MONDO:0009181, OMIM 226670.
Epidermolysis bullosa simplex 5C, with pyloric atresia (EBS5C). Also called: Epidermolysis bullosa simplex with pyloric atresia; PLEC-Related Epidermolysis Bullosa with Pyloric Atresia; PLEC1-Related Epidermolysis Bullosa with Pyloric Atresia. Identifiers: Orphanet 158684, MedGen C2677349, MONDO:0012807, OMIM 612138.
Epidermolysis bullosa simplex, Ogna type (EBS5A). Also called: Pidermolysis bullosa simplex 5A, Ogna type; EPIDERMOLYSIS BULLOSA SIMPLEX 5A, OGNA TYPE. Identifiers: Orphanet 79401, MedGen C0432317, MONDO:0007555, OMIM 131950.
Autosomal recessive limb-girdle muscular dystrophy type 2Q (LGMDR17). Also called: MUSCULAR DYSTROPHY, LIMB-GIRDLE, AUTOSOMAL RECESSIVE 17. Identifiers: Orphanet 254361, MedGen C3150989, MONDO:0013390, OMIM 613723.
Epidermolysis bullosa simplex with nail dystrophy (EBS5D). Identifiers: MedGen C4225309, MONDO:0014661, OMIM 616487.
Inborn genetic diseases. Identifiers: MedGen C0950123, MeSH D030342.

Allele frequency attached by ClinVar (database versions not stated): gnomAD exomes 0.00001; ExAC 0.00004.
gnomAD v4.1: 10 of 1,584,838 alleles (0.00063%); highest among the groups gnomAD compares: East Asian, 0.0091%; no homozygotes.

Submissions (2):

Ambry Genetics
Classification: Uncertain significance for Inborn genetic diseases. Last evaluated: 2024-07-14. Review status: criteria provided, single submitter. Criteria: Ambry Variant Classification Scheme 2023. Collection method: clinical testing. Allele origin: germline.

Labcorp Genetics (formerly Invitae), Labcorp
Classification: Uncertain significance for Autosomal recessive limb-girdle muscular dystrophy type 2Q; Epidermolysis bullosa simplex, Ogna type; Epidermolysis bullosa simplex with nail dystrophy; Epidermolysis bullosa simplex 5C, with pyloric atresia; Epidermolysis bullosa simplex 5B, with muscular dystrophy. Last evaluated: 2020-01-18. Review status: criteria provided, single submitter. Criteria: Invitae Variant Classification Sherloc (09022015). Collection method: clinical testing. Allele origin: germline.
Comment: In summary, the available evidence is currently insufficient to determine the role of this variant in disease. Therefore, it has been classified as a Variant of Uncertain Significance. Algorithms developed to predict the effect of missense changes on protein structure and function are either unavailable or do not agree on the potential impact of this missense change (SIFT: "Tolerated"; PolyPhen-2: "Not Available"; Align-GVGD: "Class C0"). This variant has not been reported in the literature in individuals with PLEC-related conditions. This variant is present in population databases (rs782503404, ExAC 0.05%). This sequence change replaces glutamic acid with lysine at codon 1694 of the PLEC protein (p.Glu1694Lys). The glutamic acid residue is highly conserved and there is a small physicochemical difference between glutamic acid and lysine.